The following is an entry in ClinVar:

ClinVar aggregate classification (germline): Uncertain significance (1 of 4 stars; one submission).

gnomAD v4.1: 23 of 1,612,640 alleles (0.0014%); highest among the groups gnomAD compares: South Asian, 0.019%; no homozygotes.

Submission:

Women's Health and Genetics/Laboratory Corporation of America, LabCorp
Classification: Uncertain significance. Last evaluated: 2025-06-25. Review status: criteria provided, single submitter. Criteria: LabCorp Variant Classification Summary - May 2015. Collection method: clinical testing. Allele origin: germline.
Comment: Variant summary: LCA5 c.1676C>T (p.Ser559Leu) results in a non-conservative amino acid change in the encoded protein sequence. Algorithms developed to predict the effect of missense changes on protein structure and function are either unavailable or do not agree on the potential impact of this missense change. The variant allele was found at a frequency of 3.2e-05 in 249724 control chromosomes. The available data on variant occurrences in the general population are insufficient to allow any conclusion about variant significance. To our knowledge, no occurrence of c.1676C>T in individuals affected with Leber Congenital Amaurosis and no experimental evidence demonstrating its impact on protein function have been reported. No submitters have cited clinical-significance assessments for this variant to ClinVar. Based on the evidence outlined above, the variant was classified as uncertain significance.

NM_001122769.3(LCA5):c.1676C>T (p.Ser559Leu)

Gene: LCA5 (lebercilin LCA5; minus strand). Cytogenetic location: 6q14.1.
Variant type: single nucleotide variant.
Coding change: c.1676C>T on transcript NM_001122769.3 (MANE Select); coding-DNA position 1676, C replaced by T.
Protein change: p.Ser559Leu; replaces serine 559 with leucine.
Molecular consequence: missense variant.
Genome position (GRCh38, 1-based): chr6:79,487,422, G>A on the plus strand (C>T on the coding strand, the complement: LCA5 is on the minus strand). VCF-style: chr6-79487422-G-A. GRCh37 (hg19) VCF-style: chr6-80197139-G-A.
Other names: c.1676C>T, p.Ser559Leu (NM_181714.4); short protein forms S559L.
Identifiers: ClinVar variation 3907539 (VCV003907539.1).
Genomic context (GRCh38, chr6:79,487,422, plus strand): 5'-AAATCCAAAAAACTACTTTTTTGACTAAATGGATTTGACCTCTCTGATGTTTTTGCAAAC[G>A]AAGGCACGTAGCTACCAAATGCGAACTCATTAGGGGAGGCTGGACTTCTAACATTTCCTG-3'
Protein context (NP_001116241.1, residues 549-569): NEFAFGSYVP[Ser559Leu]FAKTSERSNP